The following is an entry in ClinVar:

ClinVar aggregate classification (germline): Uncertain significance. Review status: criteria provided, single submitter (1 of 4 stars). 2 submissions from 2 submitters: Uncertain significance (1). 1 of the submissions does not count toward it. Last evaluated 2022-03-24.

Conditions:
Neu-Laxova syndrome 2. Identifiers: Orphanet 2671, Orphanet 583602, MedGen C4015019, MONDO:0014466, OMIM 616038.

Allele frequency attached by ClinVar (database versions not stated): gnomAD exomes below 0.00001.
gnomAD v4.1: 1 of 1,611,712 alleles (0.000062%); highest among the groups gnomAD compares: East Asian, 0.0022%; no homozygotes.

Submissions (2):

Labcorp Genetics (formerly Invitae), Labcorp
Classification: Uncertain significance for Neu-Laxova syndrome 2. Last evaluated: 2022-03-24. Review status: criteria provided, single submitter. Criteria: Invitae Variant Classification Sherloc (09022015). Collection method: clinical testing. Allele origin: germline.
Comment: This sequence change replaces phenylalanine, which is neutral and non-polar, with isoleucine, which is neutral and non-polar, at codon 364 of the PSAT1 protein (p.Phe364Ile). In summary, the available evidence is currently insufficient to determine the role of this variant in disease. Therefore, it has been classified as a Variant of Uncertain Significance. Experimental studies have shown that this missense change affects PSAT1 function (PMID: 32077105). Algorithms developed to predict the effect of missense changes on protein structure and function are either unavailable or do not agree on the potential impact of this missense change (SIFT: "Deleterious"; PolyPhen-2: "Probably Damaging"; Align-GVGD: "Class C15"). ClinVar contains an entry for this variant (Variation ID: 977069). This variant has not been reported in the literature in individuals affected with PSAT1-related conditions. This variant is present in population databases (no rsID available, gnomAD 0.006%).

Dudley Research Group, Pacific Northwest Research Institute
No classification provided. Review status: no classification provided. Collection method: research, in vivo. Allele origin: unknown, not applicable. Functional consequence: loss_of_function_variant. Not counted in ClinVar's aggregate classification.

Literature cited by the submitters: PubMed 32077105 (cited by Labcorp Genetics (formerly Invitae), Labcorp).

NM_058179.4(PSAT1):c.1090T>A (p.Phe364Ile)

Gene: PSAT1 (phosphoserine aminotransferase 1; plus strand). Cytogenetic location: 9q21.2.
Variant type: single nucleotide variant.
Coding change: c.1090T>A on transcript NM_058179.4 (MANE Select); coding-DNA position 1090, T replaced by A.
Protein change: p.Phe364Ile; replaces phenylalanine 364 with isoleucine.
Molecular consequence: missense variant.
Genome position (GRCh38, 1-based): chr9:78,329,063, T>A. VCF-style: chr9-78329063-T-A. GRCh37 (hg19) VCF-style: chr9-80943979-T-A.
Other names: c.952T>A, p.Phe318Ile (NM_021154.5); short protein forms F318I, F364I.
Identifiers: ClinVar variation 977069 (VCV000977069.8), dbSNP rs1179781327, ClinGen allele CA373862403.